The following is an entry in ClinVar:

NM_152564.5(VPS13B):c.11401C>T (p.His3801Tyr)

Gene: VPS13B (vacuolar protein sorting 13 homolog B; plus strand). Cytogenetic location: 8q22.2.
Variant type: single nucleotide variant.
Coding change: c.11401C>T on transcript NM_152564.5 (MANE Select); coding-DNA position 11401, C replaced by T.
Protein change: p.His3801Tyr; replaces histidine 3801 with tyrosine.
Molecular consequence: missense variant.
Genome position (GRCh38, 1-based): chr8:99,870,793, C>T. VCF-style: chr8-99870793-C-T. GRCh37 (hg19) VCF-style: chr8-100883021-C-T.
Other names: c.11476C>T (NM_017890.3); c.11476C>T, p.His3826Tyr (NM_017890.5); short protein forms H3801Y, H3826Y.
Identifiers: ClinVar variation 2035095 (VCV002035095.6), dbSNP rs1817365541, ClinGen allele CA371793552.

ClinVar aggregate classification (germline): Uncertain significance. Review status: criteria provided, multiple submitters, no conflicts (2 of 4 stars). 3 submissions from 3 submitters: Uncertain significance (3). Last evaluated 2026-05-08.

Conditions:
VPS13B-related disorder. Also called: VPS13B-related condition.
Inborn genetic diseases. Identifiers: MedGen C0950123, MeSH D030342.
Cohen syndrome (COH1). Also called: Cutis verticis gyrata, retinitis pigmentosa, and sensorineural deafness; PEPPER SYNDROME. Identifiers: Orphanet 193, MedGen C0265223, MONDO:0008999, OMIM 216550.

Allele frequency attached by ClinVar (database versions not stated): TOPMed below 0.00001.

Submissions (3):

PreventionGenetics, part of Exact Sciences
Classification: Uncertain significance for VPS13B-related condition. Last evaluated: 2026-05-08. Review status: criteria provided, single submitter. Criteria: ACMG Guidelines, 2015. Collection method: clinical testing. Allele origin: germline.
Comment: The VPS13B c.11401C>T variant is predicted to result in the amino acid substitution p.His3801Tyr. To our knowledge, this variant has not been reported in the literature or in a large population database, indicating this variant is rare. At this time, the clinical significance of this variant is uncertain due to the absence of conclusive functional and genetic evidence.

Ambry Genetics
Classification: Uncertain significance for Inborn genetic diseases. Last evaluated: 2024-08-19. Review status: criteria provided, single submitter. Criteria: Ambry Variant Classification Scheme 2023. Collection method: clinical testing. Allele origin: germline.

Labcorp Genetics (formerly Invitae), Labcorp
Classification: Uncertain significance for Cohen syndrome. Last evaluated: 2024-01-22. Review status: criteria provided, single submitter. Criteria: Invitae Variant Classification Sherloc (09022015). Collection method: clinical testing. Allele origin: germline.
Comment: This sequence change replaces histidine, which is basic and polar, with tyrosine, which is neutral and polar, at codon 3826 of the VPS13B protein (p.His3826Tyr). This variant is not present in population databases (gnomAD no frequency). This variant has not been reported in the literature in individuals affected with VPS13B-related conditions. ClinVar contains an entry for this variant (Variation ID: 2035095). Advanced modeling of protein sequence and biophysical properties (such as structural, functional, and spatial information, amino acid conservation, physicochemical variation, residue mobility, and thermodynamic stability) performed at Invitae indicates that this missense variant is expected to disrupt VPS13B protein function with a positive predictive value of 80%. In summary, the available evidence is currently insufficient to determine the role of this variant in disease. Therefore, it has been classified as a Variant of Uncertain Significance.